The following is an entry in ClinVar:

ClinVar aggregate classification (germline): Likely benign (1 of 4 stars; one submission).

Allele frequency attached by ClinVar (database versions not stated): ExAC 0.00023.
gnomAD v4.1: 456 of 1,594,716 alleles (0.029%); highest among the groups gnomAD compares: Non-Finnish European, 0.035%; no homozygotes.

Submission:

CeGaT Center for Human Genetics Tuebingen
Classification: Likely benign. Last evaluated: 2022-09-01. Review status: criteria provided, single submitter. Criteria: CeGaT Center For Human Genetics Tuebingen Variant Classification Criteria Version 2. Collection method: clinical testing. Allele origin: germline. Affected: yes. Observed: 1 variant allele.
Comment: PRRC2C: BP4, BP7

NM_001387844.1(PRRC2C):c.1452G>A (p.Ala484=)

Gene: PRRC2C (proline rich coiled-coil 2C; plus strand). Cytogenetic location: 1q24.3.
Variant type: single nucleotide variant.
Coding change: c.1452G>A on transcript NM_001387844.1 (MANE Select); coding-DNA position 1452, G replaced by A.
Protein change: p.Ala484=; no amino-acid change (alanine 484 retained).
Molecular consequence: synonymous variant.
Genome position (GRCh38, 1-based): chr1:171,532,540, G>A. VCF-style: chr1-171532540-G-A. GRCh37 (hg19) VCF-style: chr1-171501679-G-A.
Other names: c.1446G>A, p.Ala482= (NM_015172.4).
Identifiers: ClinVar variation 2639552 (VCV002639552.24), dbSNP rs200015770, ClinGen allele CA1242673.